The following is an entry in ClinVar:

ClinVar aggregate classification (germline): Pathogenic (3 of 4 stars; one submission).

Conditions:
Breast-ovarian cancer, familial, susceptibility to, 1 (BROVCA1). Also called: BRCA1 Hereditary Breast and Ovarian Cancer; OVARIAN CANCER, SUSCEPTIBILITY TO. Identifiers: Orphanet 145, MedGen C2676676, MONDO:0011450, OMIM 604370. Disease mechanism: loss of function.

Submission:

Evidence-based Network for the Interpretation of Germline Mutant Alleles (ENIGMA)
Classification: Pathogenic for Breast-ovarian cancer, familial, susceptibility to, 1. Last evaluated: 2017-12-15. Review status: reviewed by expert panel. Criteria: ENIGMA BRCA1/2 Classification Criteria (2017-06-29). Collection method: curation. Allele origin: germline. Study: ENIGMA.
Comment: Variant allele predicted to encode a truncated non-functional protein.

NM_007294.4(BRCA1):c.4112_4113insATCT (p.Cys1372fs)

Gene: BRCA1 (BRCA1 DNA repair associated; minus strand). Cytogenetic location: 17q21.31.
Variant type: Insertion.
Coding change: c.4112_4113insATCT on transcript NM_007294.4 (MANE Select); coding-DNA positions 4112 to 4113, ATCT inserted.
Protein change: p.Cys1372fs; shifts the reading frame from cysteine 1372.
Molecular consequence: frameshift variant. On other transcripts: non-coding transcript variant (1).
Genome position: GRCh38 VCF-style: chr17-43091016-C-CAGAT. GRCh37 (hg19) VCF-style: chr17-41243033-C-CAGAT.
Other names: c.3899_3900insATCT, p.Cys1301Serfs (NM_001407571.1, NM_001407853.1, NM_001407894.1 and 9 more transcripts); c.4112_4113insATCT, p.Cys1372Serfs (NM_001407581.1, NM_001407582.1, NM_001407583.1 and 29 more transcripts); c.4109_4110insATCT, p.Cys1371Serfs (NM_001407587.1, NM_001407590.1, NM_001407591.1 and 22 more transcripts); c.4103_4104insATCT, p.Cys1369Serfs (NM_001407646.1, NM_001407647.1); c.3989_3990insATCT, p.Cys1331Serfs (NM_001407648.1, NM_001407664.1, NM_001407665.1 and 19 more transcripts); c.3986_3987insATCT, p.Cys1330Serfs (NM_001407649.1, NM_001407670.1, NM_001407671.1 and 11 more transcripts); c.4034_4035insATCT, p.Cys1346Serfs (NM_001407653.1, NM_001407654.1, NM_001407655.1 and 4 more transcripts); c.4031_4032insATCT, p.Cys1345Serfs (NM_001407659.1, NM_001407660.1, NM_001407661.1 and 1 more transcripts); and 44 more; short protein forms C1325fs, C1372fs, C269fs.
Identifiers: ClinVar variation 548282 (VCV000548282.2), dbSNP rs1555586240, ClinGen allele CA658825028.